The following is an entry in ClinVar:

NM_001291303.3(FAT4):c.286A>G (p.Ile96Val)

Gene: FAT4 (FAT atypical cadherin 4; plus strand). Cytogenetic location: 4q28.1.
Variant type: single nucleotide variant.
Coding change: c.286A>G on transcript NM_001291303.3 (MANE Select); coding-DNA position 286, A replaced by G.
Protein change: p.Ile96Val; replaces isoleucine 96 with valine.
Molecular consequence: missense variant.
Genome position (GRCh38, 1-based): chr4:125,316,697, A>G. VCF-style: chr4-125316697-A-G. GRCh37 (hg19) VCF-style: chr4-126237852-A-G.
Other names: c.286A>G, p.Ile96Val (NM_001291285.3, NM_024582.6); c.286A>G (NM_024582.5); short protein forms I96V.
Identifiers: ClinVar variation 1326019 (VCV001326019.8), dbSNP rs778038668, ClinGen allele CA3071782.

ClinVar aggregate classification (germline): Uncertain significance. Review status: criteria provided, multiple submitters, no conflicts (2 of 4 stars). 3 submissions from 3 submitters: Uncertain significance (3). Last evaluated 2024-02-19.

Conditions:
Van Maldergem syndrome 2 (VMLDS2). Identifiers: Orphanet 314679, MedGen C3809875, MONDO:0014242, OMIM 615546.
Hennekam lymphangiectasia-lymphedema syndrome 2 (HKLLS2). Identifiers: Orphanet 2136, MedGen C4014939, MONDO:0014454, OMIM 616006.

Allele frequency attached by ClinVar (database versions not stated): gnomAD 0.00001; gnomAD exomes 0.00001; ExAC 0.00002; TOPMed 0.00002.
gnomAD v4.1: 6 of 1,613,386 alleles (0.00037%); highest among the groups gnomAD compares: Admixed American, 0.01%; no homozygotes.

Submissions (3):

Fulgent Genetics
Classification: Uncertain significance for Van Maldergem syndrome 2; Hennekam lymphangiectasia-lymphedema syndrome 2. Last evaluated: 2024-02-19. Review status: criteria provided, single submitter. Criteria: ACMG Guidelines, 2015. Collection method: clinical testing. Allele origin: germline.

Labcorp Genetics (formerly Invitae), Labcorp
Classification: Uncertain significance. Last evaluated: 2022-07-22. Review status: criteria provided, single submitter. Criteria: Invitae Variant Classification Sherloc (09022015). Collection method: clinical testing. Allele origin: germline.
Comment: In summary, the available evidence is currently insufficient to determine the role of this variant in disease. Therefore, it has been classified as a Variant of Uncertain Significance. Advanced modeling of protein sequence and biophysical properties (such as structural, functional, and spatial information, amino acid conservation, physicochemical variation, residue mobility, and thermodynamic stability) performed at Invitae indicates that this missense variant is not expected to disrupt FAT4 protein function. ClinVar contains an entry for this variant (Variation ID: 1326019). This variant has not been reported in the literature in individuals affected with FAT4-related conditions. This variant is present in population databases (rs778038668, gnomAD 0.009%). This sequence change replaces isoleucine, which is neutral and non-polar, with valine, which is neutral and non-polar, at codon 96 of the FAT4 protein (p.Ile96Val).

GeneDx
Classification: Uncertain significance. Last evaluated: 2021-05-19. Review status: criteria provided, single submitter. Criteria: GeneDx Variant Classification Process June 2021. Collection method: clinical testing. Allele origin: germline. Affected: yes.
Comment: Not observed at a significant frequency in large population cohorts (Lek et al., 2016); In silico analysis supports that this missense variant does not alter protein structure/function; Has not been previously published as pathogenic or benign to our knowledge